The following is an entry in ClinVar:

NM_001035.3(RYR2):c.14066A>G (p.Lys4689Arg)

Gene: RYR2 (ryanodine receptor 2; plus strand). Cytogenetic location: 1q43.
Variant type: single nucleotide variant.
Coding change: c.14066A>G on transcript NM_001035.3 (MANE Select); coding-DNA position 14066, A replaced by G.
Protein change: p.Lys4689Arg; replaces lysine 4689 with arginine.
Molecular consequence: missense variant.
Genome position (GRCh38, 1-based): chr1:237,798,146, A>G. VCF-style: chr1-237798146-A-G. GRCh37 (hg19) VCF-style: chr1-237961446-A-G.
Other names: c.14066A>G, p.Lys4689Arg (LRG_402t1); short protein forms K4689R.
Identifiers: ClinVar variation 426613 (VCV000426613.10), dbSNP rs1085307711, ClinGen allele CA345419991.

ClinVar aggregate classification (germline): Uncertain significance. Review status: criteria provided, multiple submitters, no conflicts (2 of 4 stars). 3 submissions from 3 submitters: Uncertain significance (3). Last evaluated 2025-05-25.

Conditions:
Cardiomyopathy (CMYO). Also called: Cardiomyopathies. Identifiers: Orphanet 167848, MedGen C0878544, MONDO:0004994, HP:0001638. Inheritance: Various modes of inheritance.
Catecholaminergic polymorphic ventricular tachycardia 1. Also called: RYR2-Related Catecholaminergic Polymorphic Ventricular Tachycardia; VENTRICULAR TACHYCARDIA, STRESS-INDUCED POLYMORPHIC 1; VENTRICULAR TACHYCARDIA, CATECHOLAMINERGIC POLYMORPHIC, 1, WITH OR WITHOUT ATRIAL DYSFUNCTION AND/OR DILATED CARDIOMYOPATHY. Identifiers: Orphanet 3286, MedGen C1631597, MONDO:0011484, OMIM 604772.

Allele frequency attached by ClinVar (database versions not stated): gnomAD exomes below 0.00001; TOPMed below 0.00001; gnomAD 0.00001.
gnomAD v4.1: 2 of 1,612,568 alleles (0.00012%); highest among the groups gnomAD compares: African/African-American, 0.0027%; no homozygotes.

Submissions (3):

Labcorp Genetics (formerly Invitae), Labcorp
Classification: Uncertain significance for Catecholaminergic polymorphic ventricular tachycardia 1. Last evaluated: 2025-05-25. Review status: criteria provided, single submitter. Criteria: Invitae Variant Classification Sherloc (09022015). Collection method: clinical testing. Allele origin: germline.
Comment: This sequence change replaces lysine, which is basic and polar, with arginine, which is basic and polar, at codon 4689 of the RYR2 protein (p.Lys4689Arg). This variant is not present in population databases (gnomAD no frequency). This variant has not been reported in the literature in individuals affected with RYR2-related conditions. ClinVar contains an entry for this variant (Variation ID: 426613). Invitae Evidence Modeling of protein sequence and biophysical properties (such as structural, functional, and spatial information, amino acid conservation, physicochemical variation, residue mobility, and thermodynamic stability) indicates that this missense variant is not expected to disrupt RYR2 protein function with a negative predictive value of 95%. In summary, the available evidence is currently insufficient to determine the role of this variant in disease. Therefore, it has been classified as a Variant of Uncertain Significance.

Color Diagnostics, LLC DBA Color Health
Classification: Uncertain significance for Cardiomyopathy. Last evaluated: 2024-06-17. Review status: criteria provided, single submitter. Criteria: ACMG Guidelines, 2015. Collection method: clinical testing. Allele origin: germline.
Comment: This missense variant replaces lysine with arginine at codon 4689 of the RYR2 protein. Computational prediction suggests that this variant may not impact protein structure and function (internally defined REVEL score threshold <= 0.5, PMID: 27666373). To our knowledge, functional studies have not been reported for this variant. This variant has not been reported in individuals affected with RYR2-related disorders in the literature. This variant has not been identified in the general population by the Genome Aggregation Database (gnomAD). The available evidence is insufficient to determine the role of this variant in disease conclusively. Therefore, this variant is classified as a Variant of Uncertain Significance.

GeneDx
Classification: Uncertain significance. Last evaluated: 2017-04-11. Review status: criteria provided, single submitter. Criteria: GeneDx Variant Classification (06012015). Collection method: clinical testing. Allele origin: germline. Affected: yes.
Comment: A variant of uncertain significance has been identified in the RYR2 gene. The K4689R variant has not been published as pathogenic or been reported as benign to our knowledge. This variant is not observed in large population cohorts (Lek et al., 2016; 1000 Genomes Consortium et al., 2015; Exome Variant Server). Although the K4689R substitution occurs at a position that is conserved in mammals, this variant is a conservative amino acid substitution, which is not likely to impact secondary protein structure as these residues share similar properties. Furthermore, in silico analysis is inconsistent in its predictions as to whether or not the variant is damaging to the protein structure/function.